The following is an entry in ClinVar:

ClinVar aggregate classification (germline): Uncertain significance. Review status: criteria provided, multiple submitters, no conflicts (2 of 4 stars). 2 submissions from 2 submitters: Uncertain significance (2). Last evaluated 2025-09-12.

Conditions:
Hereditary cancer-predisposing syndrome. Also called: Tumor predisposition; Hereditary neoplastic syndrome; Hereditary Cancer Syndrome; Neoplastic Syndromes, Hereditary. Identifiers: Orphanet 140162, MedGen C0027672, MeSH D009386, MONDO:0015356.
EGFR-related lung cancer (EGFR). Identifiers: MedGen CN130014.

gnomAD v4.1: 1 of 1,522,070 alleles (0.000066%); highest among the groups gnomAD compares: South Asian, 0.0012%; no homozygotes.

Submissions (2):

Ambry Genetics
Classification: Uncertain significance for Hereditary cancer-predisposing syndrome. Last evaluated: 2025-09-12. Review status: criteria provided, single submitter. Criteria: Ambry Variant Classification Scheme 2023. Collection method: clinical testing. Allele origin: germline.
Comment: The p.A13E variant (also known as c.38C>A), located in coding exon 1 of the EGFR gene, results from a C to A substitution at nucleotide position 38. The alanine at codon 13 is replaced by glutamic acid, an amino acid with dissimilar properties. This amino acid position is not well conserved in available vertebrate species. In addition, this alteration is predicted to be tolerated by in silico analysis. Based on the available evidence, the clinical significance of this variant remains unclear.

Labcorp Genetics (formerly Invitae), Labcorp
Classification: Uncertain significance for EGFR-related lung cancer. Last evaluated: 2023-04-07. Review status: criteria provided, single submitter. Criteria: Invitae Variant Classification Sherloc (09022015). Collection method: clinical testing. Allele origin: germline.
Comment: This variant has not been reported in the literature in individuals affected with EGFR-related conditions. An algorithm developed to predict the effect of missense changes on protein structure and function (PolyPhen-2) suggests that this variant is likely to be tolerated. In summary, the available evidence is currently insufficient to determine the role of this variant in disease. Therefore, it has been classified as a Variant of Uncertain Significance. This variant is not present in population databases (gnomAD no frequency). This sequence change replaces alanine, which is neutral and non-polar, with glutamic acid, which is acidic and polar, at codon 13 of the EGFR protein (p.Ala13Glu).

NM_005228.5(EGFR):c.38C>A (p.Ala13Glu)

Gene: EGFR (epidermal growth factor receptor; plus strand). Cytogenetic location: 7p11.2.
Variant type: single nucleotide variant.
Coding change: c.38C>A on transcript NM_005228.5 (MANE Select); coding-DNA position 38, C replaced by A.
Protein change: p.Ala13Glu; replaces alanine 13 with glutamic acid.
Molecular consequence: missense variant.
Genome position (GRCh38, 1-based): chr7:55,019,315, C>A. VCF-style: chr7-55019315-C-A. GRCh37 (hg19) VCF-style: chr7-55087008-C-A.
Other names: c.38C>A, p.Ala13Glu (NM_001346897.2, NM_001346898.2, NM_001346899.2 and 4 more transcripts); short protein forms A13E.
Identifiers: ClinVar variation 2961764 (VCV002961764.4), dbSNP rs567894670, ClinGen allele CA367611226.